The following is an entry in ClinVar:

NM_000059.4(BRCA2):c.9188del (p.Pro3063fs)

Gene: BRCA2 (BRCA2 DNA repair associated; plus strand). Cytogenetic location: 13q13.1.
Variant type: Deletion.
Coding change: c.9188del on transcript NM_000059.4 (MANE Select); coding-DNA position 9188, one base deleted (C; older notation c.9188delC).
Protein change: p.Pro3063fs; shifts the reading frame from proline 3063.
Molecular consequence: frameshift variant. On other transcripts: non-coding transcript variant (1).
Genome position (GRCh38, 1-based): chr13:32,380,077, C deleted; the last of 2 consecutive C bases (chr13:32,380,076-32,380,077); deleting either gives the same sequence. VCF-style (leftmost placement, unchanged base first): chr13-32380075-TC-T. GRCh37 (hg19) VCF-style: chr13-32954212-TC-T.
Other names: c.9092del, p.Pro3031fs (NM_001406719.1); c.9137del, p.Pro3046fs (NM_001406720.1); c.4256del, p.Pro1419fs (NM_001406721.1); c.2771del, p.Pro924fs (NM_001406722.1); c.9188del, p.Pro3063fs (NM_001432077.1); short protein forms P1419fs, P3031fs, P3046fs, P3063fs, P924fs.
Identifiers: ClinVar variation 3482082 (VCV003482082.1).

ClinVar aggregate classification (germline): Pathogenic (1 of 4 stars; one submission).

Conditions:
Hereditary cancer-predisposing syndrome. Also called: Tumor predisposition; Neoplastic Syndromes, Hereditary; Hereditary Cancer Syndrome; Hereditary neoplastic syndrome. Identifiers: Orphanet 140162, MedGen C0027672, MeSH D009386, MONDO:0015356.

Submission:

Ambry Genetics
Classification: Pathogenic for Hereditary cancer-predisposing syndrome. Last evaluated: 2024-09-22. Review status: criteria provided, single submitter. Criteria: Ambry Variant Classification Scheme 2023. Collection method: clinical testing. Allele origin: germline.
Comment: The c.9188delC pathogenic mutation, located in coding exon 23 of the BRCA2 gene, results from a deletion of one nucleotide at nucleotide position 9188, causing a translational frameshift with a predicted alternate stop codon (p.P3063Qfs*12). This variant is considered to be rare based on population cohorts in the Genome Aggregation Database (gnomAD). This alteration is expected to result in loss of function by premature protein truncation or nonsense-mediated mRNA decay. As such, this alteration is interpreted as a disease-causing mutation.